The following is an entry in ClinVar:

ClinVar aggregate classification (germline): Uncertain significance (1 of 4 stars; one submission).

Conditions:
Hereditary cancer-predisposing syndrome. Also called: Tumor predisposition; Hereditary neoplastic syndrome; Neoplastic Syndromes, Hereditary; Hereditary Cancer Syndrome. Identifiers: Orphanet 140162, MedGen C0027672, MeSH D009386, MONDO:0015356.

Submission:

Ambry Genetics
Classification: Uncertain significance for Hereditary cancer-predisposing syndrome. Last evaluated: 2025-05-24. Review status: criteria provided, single submitter. Criteria: Ambry Variant Classification Scheme 2023. Collection method: clinical testing. Allele origin: germline.
Comment: The p.D410E variant (also known as c.1230C>A), located in coding exon 14 of the CDC73 gene, results from a C to A substitution at nucleotide position 1230. The aspartic acid at codon 410 is replaced by glutamic acid, an amino acid with highly similar properties. This amino acid position is conserved. In addition, this alteration is predicted to be tolerated by in silico analysis. Based on the available evidence, the clinical significance of this variant remains unclear.

NM_024529.5(CDC73):c.1230C>A (p.Asp410Glu)

Gene: CDC73 (cell division cycle 73; plus strand). Cytogenetic location: 1q31.2.
Variant type: single nucleotide variant.
Coding change: c.1230C>A on transcript NM_024529.5 (MANE Select); coding-DNA position 1230, C replaced by A.
Protein change: p.Asp410Glu; replaces aspartic acid 410 with glutamic acid.
Molecular consequence: missense variant.
Genome position (GRCh38, 1-based): chr1:193,233,068, C>A. VCF-style: chr1-193233068-C-A. GRCh37 (hg19) VCF-style: chr1-193202198-C-A.
Other names: short protein forms D410E.
Identifiers: ClinVar variation 3998689 (VCV003998689.1).
Genomic context (GRCh38, chr1:193,233,068, plus strand): 5'-TGAAAAGAAGAAACAAGGTTGTCAACGAGAAAATGAAACTCTAATACAAAGAAGAAAAGA[C>A]CAGATGCAACCAGGGGGCACTGCAATTAGTGTTACAGTACCTTATAGAGTAGTAGACCAG-3'
Protein context (NP_078805.3, residues 400-420): ENETLIQRRK[Asp410Glu]QMQPGGTAIS